The following is an entry in ClinVar:

ClinVar aggregate classification (germline): Uncertain significance (1 of 4 stars; one submission).

Conditions:
Glucose-6-phosphate transport defect (GSD1B). Also called: Glycogen Storage Disease Type Ib; GSD Ib. Identifiers: Orphanet 364, Orphanet 79259, MedGen C0268146, MONDO:0009288, OMIM 232220.

Submission:

Labcorp Genetics (formerly Invitae), Labcorp
Classification: Uncertain significance for Glucose-6-phosphate transport defect. Last evaluated: 2025-11-27. Review status: criteria provided, single submitter. Criteria: Invitae Variant Classification Sherloc (09022015). Collection method: clinical testing. Allele origin: germline.
Comment: This sequence change replaces leucine, which is neutral and non-polar, with methionine, which is neutral and non-polar, at codon 283 of the SLC37A4 protein (p.Leu283Met). This variant is not present in population databases (gnomAD no frequency). This variant has not been reported in the literature in individuals affected with SLC37A4-related conditions. Invitae Evidence Modeling of protein sequence and biophysical properties (such as structural, functional, and spatial information, amino acid conservation, physicochemical variation, residue mobility, and thermodynamic stability) indicates that this missense variant is not expected to disrupt SLC37A4 protein function with a negative predictive value of 80%. In summary, the available evidence is currently insufficient to determine the role of this variant in disease. Therefore, it has been classified as a Variant of Uncertain Significance.

NM_001164277.2(SLC37A4):c.847C>A (p.Leu283Met)

Gene: SLC37A4 (solute carrier family 37 member 4; minus strand). Cytogenetic location: 11q23.3.
Variant type: single nucleotide variant.
Coding change: c.847C>A on transcript NM_001164277.2 (MANE Select); coding-DNA position 847, C replaced by A.
Protein change: p.Leu283Met; replaces leucine 283 with methionine.
Molecular consequence: missense variant.
Genome position (GRCh38, 1-based): chr11:119,026,626, G>T on the plus strand (C>A on the coding strand, the complement: SLC37A4 is on the minus strand). VCF-style: chr11-119026626-G-T. GRCh37 (hg19) VCF-style: chr11-118897336-G-T.
Other names: c.847C>A, p.Leu283Met (NM_001164278.2, NM_001164280.2, NM_001467.6); c.628C>A, p.Leu210Met (NM_001164279.2); short protein forms L283M, L210M.
Identifiers: ClinVar variation 4738094 (VCV004738094.1).
Genomic context (GRCh38, chr11:119,026,626, plus strand): 5'-GGGACCCTTCTCCTTCCTGTCCCTTCTGCCCGCTCACCTTTGCCATGGCCCGGTCTGACA[G>T]GTAGCCAGCTGCGATGCTGCCTACAAGGCCCCCAACTTCCAGGGCACTCATGTAGGAGCT-3'
Protein context (NP_001157749.1, residues 273-293): GLVGSIAAGY[Leu283Met]SDRAMAKAGL